The following is an entry in ClinVar:

ClinVar aggregate classification (germline): Conflicting classifications of pathogenicity. Review status: criteria provided, conflicting classifications (1 of 4 stars). 2 submissions from 2 submitters: Uncertain significance (1); Likely benign (1). Last evaluated 2025-12-03.

Conditions:
Pancreatic adenocarcinoma. Identifiers: MedGen C0281361, MONDO:0006047, HP:0006725.

Allele frequency attached by ClinVar (database versions not stated): gnomAD exomes 0.00001; gnomAD 0.00002.
gnomAD v4.1: 14 of 1,611,330 alleles (0.00087%); highest among the groups gnomAD compares: African/African-American, 0.0054%; no homozygotes.

Submissions (2):

Ambry Genetics
Classification: Uncertain significance. Last evaluated: 2025-12-03. Review status: criteria provided, single submitter. Criteria: Ambry Variant Classification Scheme 2023. Collection method: clinical testing. Allele origin: germline.
Comment: The c.1449C>T variant (also known as p.I483I), located in coding exon 8 of the PALLD gene, results from a C to T substitution at nucleotide position 1449. This nucleotide substitution does not change the isoleucine at codon 483. This nucleotide position is not well conserved in available vertebrate species. In silico splice site analysis for this alteration is inconclusive. The evidence for this gene-disease relationship is limited; therefore, the clinical significance of this alteration is unclear.

Labcorp Genetics (formerly Invitae), Labcorp
Classification: Likely benign for Pancreatic adenocarcinoma. Last evaluated: 2022-12-20. Review status: criteria provided, single submitter. Criteria: Invitae Variant Classification Sherloc (09022015). Collection method: clinical testing. Allele origin: germline.

NM_001166108.2(PALLD):c.2961C>T (p.Ile987=)

Genes: CBR4 (carbonyl reductase 4; minus strand), PALLD (palladin, cytoskeletal associated protein; plus strand). Cytogenetic location: 4q32.3.
Variant type: single nucleotide variant.
Coding change: c.2961C>T on transcript NM_001166108.2 (MANE Select); coding-DNA position 2961, C replaced by T.
Protein change: p.Ile987=; no amino-acid change (isoleucine 987 retained).
Molecular consequence: synonymous variant.
Genome position (GRCh38, 1-based): chr4:168,921,644, C>T. VCF-style: chr4-168921644-C-T. GRCh37 (hg19) VCF-style: chr4-169842795-C-T.
Other names: c.1764C>T, p.Ile588= (NM_001166109.2); c.1449C>T, p.Ile483= (NM_001166110.2); c.789C>T, p.Ile263= (NM_001367567.1, NM_001367569.1); c.840C>T, p.Ile280= (NM_001367568.1, NM_001367570.1); c.2910C>T, p.Ile970= (NM_016081.4); c.1449C>T (NM_001166110.1).
Identifiers: ClinVar variation 1125873 (VCV001125873.10), dbSNP rs1484758238, ClinGen allele CA442065025.